The following is an entry in ClinVar:

ClinVar aggregate classification (germline): Uncertain significance (1 of 4 stars; one submission).

gnomAD v4.1: 12 of 1,608,300 alleles (0.00075%); highest among the groups gnomAD compares: Non-Finnish European, 0.00085%; no homozygotes.

Submission:

Women's Health and Genetics/Laboratory Corporation of America, LabCorp
Classification: Uncertain significance. Last evaluated: 2025-12-31. Review status: criteria provided, single submitter. Criteria: LabCorp Variant Classification Summary - May 2015. Collection method: clinical testing. Allele origin: germline.
Comment: Variant summary: ATP2B2 c.376C>T (p.Pro126Ser) results in a non-conservative amino acid change in the encoded protein sequence. Algorithms developed to predict the effect of missense changes on protein structure and function all suggest that this variant is likely to be disruptive. The variant allele was found at a frequency of 4e-06 in 250370 control chromosomes. The available data on variant occurrences in the general population are insufficient to allow any conclusion about variant significance. To our knowledge, no occurrence of c.376C>T in individuals affected with ATP2B2-related conditions and no experimental evidence demonstrating its impact on protein function have been reported. No submitters have cited clinical-significance assessments for this variant to ClinVar. Based on the evidence outlined above, the variant was classified as uncertain significance.

NM_001001331.4(ATP2B2):c.376C>T (p.Pro126Ser)

Gene: ATP2B2 (ATPase plasma membrane Ca2+ transporting 2; minus strand). Cytogenetic location: 3p25.3.
Variant type: single nucleotide variant.
Coding change: c.376C>T on transcript NM_001001331.4 (MANE Select); coding-DNA position 376, C replaced by T.
Protein change: p.Pro126Ser; replaces proline 126 with serine.
Molecular consequence: missense variant.
Genome position (GRCh38, 1-based): chr3:10,410,639, G>A on the plus strand (C>T on the coding strand, the complement: ATP2B2 is on the minus strand). VCF-style: chr3-10410639-G-A. GRCh37 (hg19) VCF-style: chr3-10452323-G-A.
Other names: c.376C>T, p.Pro126Ser (NM_001330611.3, NM_001353564.1, NM_001363862.1 and 3 more transcripts); short protein forms P126S.
Identifiers: ClinVar variation 4688898 (VCV004688898.1).